The following is an entry in ClinVar:

ClinVar aggregate classification (germline): Uncertain significance. Review status: criteria provided, multiple submitters, no conflicts (2 of 4 stars). 3 submissions from 3 submitters: Uncertain significance (3). Last evaluated 2026-07-15.

Conditions:
Pendred syndrome (PDS). Also called: DEAFNESS WITH GOITER; GOITER-DEAFNESS SYNDROME; HYPOTHYROIDISM, CONGENITAL, DUE TO DYSHORMONOGENESIS, 2B; Pendred Syndrome (PDS); THYROID DYSHORMONOGENESIS 2B; THYROID HORMONOGENESIS, GENETIC DEFECT IN, 2B. Identifiers: Orphanet 705, MedGen C0271829, MONDO:0010134, OMIM 274600.

gnomAD v4.1: 6 of 1,593,274 alleles (0.00038%); highest among the groups gnomAD compares: Non-Finnish European, 0.00052%; no homozygotes.

Submissions (3):

Myriad Genetics, Inc.
Classification: Uncertain significance for Pendred syndrome. Last evaluated: 2026-07-15. Review status: criteria provided, single submitter. Criteria: Myriad Autosomal Dominant, Autosomal Recessive and X-Linked Classification Criteria (2023). Collection method: clinical testing. Allele origin: unknown.
Comment: NM_000441.1(SLC26A4):c.2284G>T(E762*) is a nonsense variant classified as a variant of uncertain significance in the context of Pendred syndrome. E762* has not been observed in cases with relevant disease. Relevant functional assessments of this variant are not available in the literature. E762* has not been observed in referenced population frequency databases. In summary, there is insufficient evidence to classify NM_000441.1(SLC26A4):c.2284G>T(E762*) as pathogenic or benign. Please note: this variant was assessed in the context of healthy population screening.

GeneDx
Classification: Uncertain significance. Last evaluated: 2026-04-16. Review status: criteria provided, single submitter. Criteria: GeneDx Variant Classification Process June 2021. Collection method: clinical testing. Allele origin: germline.
Comment: Identified in an individual with liver disease in a UK Biobank study, however no additional clinical information was provided (PMID: 38862964); Nonsense variant predicted to result in protein truncation as the last 19 amino acid(s) are lost with an unclear effect on protein function; Not observed at significant frequency in large population cohorts (gnomAD); This variant is associated with the following publications: (PMID: 38862964)

Labcorp Genetics (formerly Invitae), Labcorp
Classification: Uncertain significance. Last evaluated: 2021-11-08. Review status: criteria provided, single submitter. Criteria: Invitae Variant Classification Sherloc (09022015). Collection method: clinical testing. Allele origin: germline.
Comment: This sequence change creates a premature translational stop signal (p.Glu762*) in the SLC26A4 gene. While this is not anticipated to result in nonsense mediated decay, it is expected to disrupt the last 19 amino acid(s) of the SLC26A4 protein. This variant is not present in population databases (gnomAD no frequency). This variant has not been reported in the literature in individuals affected with SLC26A4-related conditions. Experimental studies and prediction algorithms are not available or were not evaluated, and the functional significance of this variant is currently unknown. In summary, the available evidence is currently insufficient to determine the role of this variant in disease. Therefore, it has been classified as a Variant of Uncertain Significance.

NM_000441.2(SLC26A4):c.2284G>T (p.Glu762Ter)

Gene: SLC26A4 (solute carrier family 26 member 4; plus strand). Cytogenetic location: 7q22.3.
Variant type: single nucleotide variant.
Coding change: c.2284G>T on transcript NM_000441.2 (MANE Select); coding-DNA position 2284, G replaced by T.
Protein change: p.Glu762Ter; replaces glutamic acid 762 with a stop codon.
Molecular consequence: nonsense.
Genome position (GRCh38, 1-based): chr7:107,712,587, G>T. VCF-style: chr7-107712587-G-T. GRCh37 (hg19) VCF-style: chr7-107353032-G-T.
Other names: c.2284G>T (NM_000441.1); short protein forms E762*.
Identifiers: ClinVar variation 1358282 (VCV001358282.5), dbSNP rs2129320416, ClinGen allele CA368846667.
Genomic context (GRCh38, chr7:107,712,587, plus strand): 5'-CTCTTTTTCAAGATCACTCTCATTCAGGATTGTAAAGATACCCTTGAATTAATAGAAACA[G>T]AGCTGACGGAAGAAGAACTTGATGTCCAGGATGAGGTATGATCATTTTCTTCTGAAGAAA-3'